The following is an entry in ClinVar:

NM_000059.4(BRCA2):c.93del (p.Trp31fs)

Gene: BRCA2 (BRCA2 DNA repair associated; plus strand). Cytogenetic location: 13q13.1.
Variant type: Deletion.
Coding change: c.93del on transcript NM_000059.4 (MANE Select); coding-DNA position 93, one base deleted (G; older notation c.93delG).
Protein change: p.Trp31fs; shifts the reading frame from tryptophan 31.
Molecular consequence: frameshift variant.
Genome position (GRCh38, 1-based): chr13:32,319,102, G deleted; the last of 2 consecutive G bases (chr13:32,319,101-32,319,102); deleting either gives the same sequence. VCF-style (leftmost placement, unchanged base first): chr13-32319100-TG-T. GRCh37 (hg19) VCF-style: chr13-32893237-TG-T.
Other names: c.93delG, p.Trp31Cysfs (NM_001406719.1, NM_001406720.1, NM_001406721.1); c.-277delG (NM_001406722.1); short protein forms W31fs.
Identifiers: ClinVar variation 1766830 (VCV001766830.2), dbSNP rs2548511137, ClinGen allele CA2580087055.

ClinVar aggregate classification (germline): Pathogenic (1 of 4 stars; one submission).

Conditions:
Hereditary cancer-predisposing syndrome. Also called: Hereditary Cancer Syndrome; Hereditary neoplastic syndrome; Neoplastic Syndromes, Hereditary; Tumor predisposition. Identifiers: Orphanet 140162, MedGen C0027672, MeSH D009386, MONDO:0015356.

Submission:

Ambry Genetics
Classification: Pathogenic for Hereditary cancer-predisposing syndrome. Last evaluated: 2022-02-26. Review status: criteria provided, single submitter. Criteria: Ambry Variant Classification Scheme 2023. Collection method: clinical testing. Allele origin: germline.
Comment: The c.93delG pathogenic mutation, located in coding exon 2 of the BRCA2 gene, results from a deletion of one nucleotide at nucleotide position 93, causing a translational frameshift with a predicted alternate stop codon (p.W31Cfs*49). This variant is considered to be rare based on population cohorts in the Genome Aggregation Database (gnomAD). This alteration is expected to result in loss of function by premature protein truncation or nonsense-mediated mRNA decay. As such, this alteration is interpreted as a disease-causing mutation.